The following is an entry in ClinVar:

NM_032776.3(JMJD1C):c.7593G>A (p.Glu2531=)

Gene: JMJD1C (jumonji domain containing 1C; minus strand). Cytogenetic location: 10q21.3.
Variant type: single nucleotide variant.
Coding change: c.7593G>A on transcript NM_032776.3 (MANE Select); coding-DNA position 7593, G replaced by A.
Protein change: p.Glu2531=; no amino-acid change (glutamic acid 2531 retained).
Molecular consequence: synonymous variant. On other transcripts: non-coding transcript variant (1).
Genome position (GRCh38, 1-based): chr10:63,168,075, C>T on the plus strand (G>A on the coding strand, the complement: JMJD1C is on the minus strand). VCF-style: chr10-63168075-C-T. GRCh37 (hg19) VCF-style: chr10-64927835-C-T.
Other names: c.7047G>A, p.Glu2349= (NM_001282948.2, NM_001318154.2); c.6729G>A, p.Glu2243= (NM_001318153.2); c.7479G>A, p.Glu2493= (NM_001322252.2); c.6936G>A, p.Glu2312= (NM_001322254.2, NM_001322258.2).
Identifiers: ClinVar variation 460279 (VCV000460279.18), dbSNP rs186321056, ClinGen allele CA5517613.

ClinVar aggregate classification (germline): Benign/Likely benign. Review status: criteria provided, multiple submitters, no conflicts (2 of 4 stars). 3 submissions from 3 submitters: Benign (2); Likely benign (1). Last evaluated 2026-01-15.

Conditions:
Early Myoclonic Encephalopathy. Identifiers: MedGen C0270855.

Allele frequency attached by ClinVar (database versions not stated): ESP Exome Variant Server 0.00008; gnomAD exomes 0.00029 and 0.00144; 1000 Genomes Project 0.00040; gnomAD 0.00042; 1000 Genomes Project 30x 0.00047; TOPMed 0.00080; ExAC 0.00108.
gnomAD v4.1: 478 of 1,603,428 alleles (0.03%); highest among the groups gnomAD compares: Admixed American, 0.71%; 5 homozygotes.

Submissions (3):

Labcorp Genetics (formerly Invitae), Labcorp
Classification: Benign for Early Myoclonic Encephalopathy. Last evaluated: 2026-01-15. Review status: criteria provided, single submitter. Criteria: Invitae Variant Classification Sherloc (09022015). Collection method: clinical testing. Allele origin: germline.

CeGaT Center for Human Genetics Tuebingen
Classification: Likely benign. Last evaluated: 2026-01-01. Review status: criteria provided, single submitter. Criteria: CeGaT Center For Human Genetics Tuebingen Variant Classification Criteria Version 2. Collection method: clinical testing. Allele origin: germline. Affected: yes. Observed: 2 variant alleles.
Comment: JMJD1C: BP4, BP7

Breakthrough Genomics
Classification: Benign. Review status: criteria provided, single submitter. Criteria: ACMG Guidelines, 2015. Collection method: not provided. Allele origin: germline. Inheritance: Unknown mechanism. Affected: yes.